The following is an entry in ClinVar:

ClinVar aggregate classification (germline): Pathogenic (1 of 4 stars; one submission).

Conditions:
Pallister-Hall syndrome (PHS). Also called: GLI3-Related Pallister-Hall Syndrome; HYPOTHALAMIC HAMARTOBLASTOMA, HYPOPITUITARISM, IMPERFORATE ANUS, AND POSTAXIAL POLYDACTYLY. Identifiers: Orphanet 672, MedGen C0265220, MONDO:0007804, OMIM 146510.
Greig cephalopolysyndactyly syndrome (GCPS). Also called: POLYSYNDACTYLY WITH PECULIAR SKULL SHAPE; Greig syndrome; GLI3-Related Greig Cephalopolysyndactyly Syndrome. Identifiers: Orphanet 380, MedGen C0265306, MONDO:0008287, OMIM 175700.

Submission:

Labcorp Genetics (formerly Invitae), Labcorp
Classification: Pathogenic for Pallister-Hall syndrome; Greig cephalopolysyndactyly syndrome. Last evaluated: 2021-11-06. Review status: criteria provided, single submitter. Criteria: Invitae Variant Classification Sherloc (09022015). Collection method: clinical testing. Allele origin: germline.
Comment: This sequence change creates a premature translational stop signal (p.Met201Argfs*51) in the GLI3 gene. It is expected to result in an absent or disrupted protein product. Loss-of-function variants in GLI3 are known to be pathogenic (PMID: 10441570, 15739154, 18000979, 24736735). This variant is not present in population databases (gnomAD no frequency). This variant has not been reported in the literature in individuals affected with GLI3-related conditions. For these reasons, this variant has been classified as Pathogenic.

Literature cited by the submitters: PubMed 10441570; PubMed 15739154; PubMed 18000979; PubMed 24736735.

NM_000168.6(GLI3):c.602_675del (p.Met201fs)

Gene: GLI3 (GLI family zinc finger 3; minus strand). Cytogenetic location: 7p14.1.
Variant type: Deletion.
Coding change: c.602_675del on transcript NM_000168.6 (MANE Select); coding-DNA positions 602 to 675, 74 bases deleted.
Protein change: p.Met201fs; shifts the reading frame from methionine 201.
Molecular consequence: frameshift variant.
Genome position (GRCh38, 1-based): chr7:42,048,495-42,048,568, 74 bases deleted. GRCh37 (hg19): chr7:42,088,101-42,088,174.
Other names: short protein forms M201fs.
Identifiers: ClinVar variation 1358687 (VCV001358687.6), dbSNP rs2128742642, ClinGen allele CA2573142173.